The following is an entry in ClinVar:

NM_000169.3(GLA):c.1077_1086del (p.Gly360fs)

Genes: RPL36A-HNRNPH2 (RPL36A-HNRNPH2 readthrough; plus strand), GLA (galactosidase alpha; minus strand). Cytogenetic location: Xq22.1.
Variant type: Deletion.
Coding change: c.1077_1086del on transcript NM_000169.3 (MANE Select); coding-DNA positions 1077 to 1086, 10 bases deleted (TGGTGGACCT; older notation c.1077_1086delTGGTGGACCT).
Protein change: p.Gly360fs; shifts the reading frame from glycine 360.
Molecular consequence: frameshift variant. On other transcripts: non-coding transcript variant (3), intron variant (2).
Genome position (GRCh38, 1-based): chrX:101,398,013-101,398,022, AGGTCCACCA deleted on the plus strand (TGGTGGACCT on the coding strand, the reverse complement: GLA is on the minus strand); deleting any 10 consecutive bases within chrX:101,398,013-101,398,023 gives the same sequence; the c. name uses the placement nearest the transcript's 3' end. VCF-style (leftmost placement, unchanged base first): chrX-101398012-GAGGTCCACCA-G. GRCh37 (hg19) VCF-style: chrX-100653000-GAGGTCCACCA-G.
Other names: c.1077_1086del10 (NM_000169.2); c.1200_1209del, p.Gly401fs (NM_001406747.1); c.300+2557_300+2566del (NM_001199973.2); c.177+6192_177+6201del (NM_001199974.2); short protein forms G360fs, G401fs.
Identifiers: ClinVar variation 1785008 (VCV001785008.2), dbSNP rs2520852645, ClinGen allele CA2580100093.

ClinVar aggregate classification (germline): Likely pathogenic (1 of 4 stars; one submission).

Conditions:
Cardiovascular phenotype. Identifiers: MedGen CN230736.

Submission:

Ambry Genetics
Classification: Likely pathogenic for Cardiovascular phenotype. Last evaluated: 2021-06-24. Review status: criteria provided, single submitter. Criteria: Ambry Variant Classification Scheme 2023. Collection method: clinical testing. Allele origin: germline.
Comment: The c.1077_1086del10 variant, located in coding exon 7 of the GLA gene, results from a deletion of 10 nucleotides at nucleotide positions 1077 to 1086, causing a translational frameshift with a predicted alternate stop codon (p.G360Afs*28). This alteration impacts >10% of the protein and enzyme assays demonstrate 0% enzyme activity for C-terminal truncations deleting 12 or more amino acids from the C-terminal end (Lukas J et al. PLoS Genet., 2013 Aug;9:e1003632; Miyamura N et al. J. Clin. Invest., 1996 Oct;98:1809-17). This alteration is expected to result in loss of function by premature protein truncation. As such, this alteration is interpreted as a disease-causing mutation.

Literature cited by the submitters: PubMed 23935525; PubMed 8878432.